The following is an entry in ClinVar:

NM_001036.6(RYR3):c.10018C>A (p.Gln3340Lys)

Gene: RYR3 (ryanodine receptor 3; plus strand). Cytogenetic location: 15q14.
Variant type: single nucleotide variant.
Coding change: c.10018C>A on transcript NM_001036.6 (MANE Select); coding-DNA position 10018, C replaced by A.
Protein change: p.Gln3340Lys; replaces glutamine 3340 with lysine.
Molecular consequence: missense variant. On other transcripts: intron variant (1).
Genome position (GRCh38, 1-based): chr15:33,807,561, C>A. VCF-style: chr15-33807561-C-A. GRCh37 (hg19) VCF-style: chr15-34099762-C-A.
Other names: c.10012-2918C>A (NM_001243996.4); c.10018C>A (NM_001036.3); short protein forms Q3340K.
Identifiers: ClinVar variation 1004648 (VCV001004648.10), dbSNP rs1333654801, ClinGen allele CA391580922.

ClinVar aggregate classification (germline): Uncertain significance. Review status: criteria provided, multiple submitters, no conflicts (2 of 4 stars). 2 submissions from 2 submitters: Uncertain significance (2). Last evaluated 2025-05-04.

Conditions:
Epileptic encephalopathy. Identifiers: MedGen C0543888, HP:0200134.

Allele frequency attached by ClinVar (database versions not stated): gnomAD below 0.00001 and 0.00001.
gnomAD v4.1: 13 of 1,551,920 alleles (0.00084%); highest among the groups gnomAD compares: Middle Eastern, 0.017%; no homozygotes.

Submissions (2):

Ambry Genetics
Classification: Uncertain significance. Last evaluated: 2025-05-04. Review status: criteria provided, single submitter. Criteria: Ambry Variant Classification Scheme 2023. Collection method: clinical testing. Allele origin: germline.

Labcorp Genetics (formerly Invitae), Labcorp
Classification: Uncertain significance for Epileptic encephalopathy. Last evaluated: 2020-01-31. Review status: criteria provided, single submitter. Criteria: Invitae Variant Classification Sherloc (09022015). Collection method: clinical testing. Allele origin: germline.
Comment: In summary, the available evidence is currently insufficient to determine the role of this variant in disease. Therefore, it has been classified as a Variant of Uncertain Significance. Algorithms developed to predict the effect of missense changes on protein structure and function (SIFT, PolyPhen-2, Align-GVGD) all suggest that this variant is likely to be tolerated, but these predictions have not been confirmed by published functional studies and their clinical significance is uncertain. This variant has not been reported in the literature in individuals with RYR3-related conditions. This variant is not present in population databases (ExAC no frequency). This sequence change replaces glutamine with lysine at codon 3340 of the RYR3 protein (p.Gln3340Lys). The glutamine residue is moderately conserved and there is a small physicochemical difference between glutamine and lysine.